The following is an entry in ClinVar:

ClinVar aggregate classification (germline): Uncertain significance. Review status: criteria provided, multiple submitters, no conflicts (2 of 4 stars). 4 submissions from 4 submitters: Uncertain significance (4). Last evaluated 2025-01-14.

Conditions:
Lynch syndrome. Identifiers: Orphanet 144, MedGen C4552100, MONDO:0005835. Disease mechanism: loss of function.
Hereditary cancer-predisposing syndrome. Also called: Neoplastic Syndromes, Hereditary; Tumor predisposition; Hereditary Cancer Syndrome; Hereditary neoplastic syndrome. Identifiers: Orphanet 140162, MedGen C0027672, MeSH D009386, MONDO:0015356.
Mismatch repair cancer syndrome 1 (MMRCS1). Also called: BRAIN TUMOR-POLYPOSIS SYNDROME 1; BTP1 SYNDROME; CHILDHOOD CANCER SYNDROME; MISMATCH REPAIR DEFICIENCY; MMR DEFICIENCY. Identifiers: Orphanet 252202, MedGen C5399763, MONDO:0010159, OMIM 276300. Disease mechanism: loss of function.

Submissions (4):

Ambry Genetics
Classification: Uncertain significance for Hereditary cancer-predisposing syndrome. Last evaluated: 2025-01-14. Review status: criteria provided, single submitter. Criteria: Ambry Variant Classification Scheme 2023. Collection method: clinical testing. Allele origin: germline.
Comment: The c.23+3G>C intronic variant results from a G to C substitution 3 nucleotides after coding exon 1 in the PMS2 gene. This nucleotide position is well conserved in available vertebrate species. In silico splice site analysis predicts that this alteration will not have any significant effect on splicing. Based on the available evidence, the clinical significance of this variant remains unclear.

Department of Pathology and Laboratory Medicine, Sinai Health System
Classification: Uncertain significance for mismatch repair cancer syndrome 1. Last evaluated: 2024-12-11. Review status: criteria provided, single submitter. Criteria: ACMG Guidelines, 2015. Collection method: clinical testing. Allele origin: germline.

All of Us Research Program, National Institutes of Health
Classification: Uncertain significance for Lynch syndrome. Last evaluated: 2024-07-10. Review status: criteria provided, single submitter. Criteria: ACMG Guidelines, 2015. Collection method: clinical testing. Allele origin: germline. Inheritance: Autosomal dominant inheritance. Observed: 1 variant allele, 1 heterozygote.
Comment: This variant causes a G to C nucleotide substitution at the +3 position of intron 1 of the PMS2 gene. Splice site prediction tools predict that this variant may have a significant impact on RNA splicing, although this prediction has not been confirmed in published RNA studies. To our knowledge, functional studies have not been reported for this variant. This variant has not been reported in individuals affected with PMS2-related disorders in the literature. This variant has not been identified in the general population by the Genome Aggregation Database (gnomAD). The available evidence is insufficient to determine the role of this variant in disease conclusively. Therefore, this variant is classified as a Variant of Uncertain Significance.

This study involves interpretation of variants in research participants for the purpose of population health screening. Participant phenotype was not available at the time of variant classification. Additional details can be found in publication PMID: 35346344, PMCID: PMC8962531

Color Diagnostics, LLC DBA Color Health
Classification: Uncertain significance for Hereditary cancer-predisposing syndrome. Last evaluated: 2024-06-20. Review status: criteria provided, single submitter. Criteria: ACMG Guidelines, 2015. Collection method: clinical testing. Allele origin: germline.
Comment: This variant causes a G to C nucleotide substitution at the +3 position of intron 1 of the PMS2 gene. Splice site prediction tools predict that this variant may have a significant impact on RNA splicing, although this prediction has not been confirmed in published RNA studies. To our knowledge, functional studies have not been reported for this variant. This variant has not been reported in individuals affected with PMS2-related disorders in the literature. This variant has not been identified in the general population by the Genome Aggregation Database (gnomAD). The available evidence is insufficient to determine the role of this variant in disease conclusively. Therefore, this variant is classified as a Variant of Uncertain Significance.

NM_000535.7(PMS2):c.23+3G>C

Gene: PMS2 (PMS1 homolog 2, mismatch repair system component; minus strand). Cytogenetic location: 7p22.1.
Variant type: single nucleotide variant.
Coding change: c.23+3G>C on transcript NM_000535.7 (MANE Select); 3 bases into the intron after coding-DNA position 23, G replaced by C.
Molecular consequence: intron variant. On other transcripts: 5 prime UTR variant (2).
Genome position (GRCh38, 1-based): chr7:6,008,994, C>G on the plus strand (G>C on the coding strand, the complement: PMS2 is on the minus strand). VCF-style: chr7-6008994-C-G. GRCh37 (hg19) VCF-style: chr7-6048625-C-G.
Other names: c.-570G>C (NM_001322005.2); c.-565G>C (NM_001322009.2); c.-53+3G>C (NM_001322008.2); c.-243+3G>C (NM_001322010.2, NM_001322004.2); c.-378+3G>C (NM_001322013.2, NM_001322003.2); c.-857+3G>C (NM_001322012.2); c.-457+3G>C (NM_001322015.2); c.-193+3G>C (NM_001322007.2); and 2 more.
Identifiers: ClinVar variation 918813 (VCV000918813.5), dbSNP rs1408475000, ClinGen allele CA913188262.
Genomic context (GRCh38, chr7:6,008,994, plus strand): 5'-ATGCCGTGGGTCTCAAAGAGGGCGCGCGAGAGGGGACACCGGAAGACTGCGAGCCCCGCT[C>G]ACCTCGAGCTCTCAGCTCGCTCCATGGATGCAACACCCGATCCGCCTCGGGGACTGGGAA-3'